The following is an entry in ClinVar:

NM_207118.3(GTF2H5):c.55T>C (p.Phe19Leu)

Gene: GTF2H5 (general transcription factor IIH subunit 5; plus strand). Cytogenetic location: 6q25.3.
Variant type: single nucleotide variant.
Coding change: c.55T>C on transcript NM_207118.3 (MANE Select); coding-DNA position 55, T replaced by C.
Protein change: p.Phe19Leu; replaces phenylalanine 19 with leucine.
Molecular consequence: missense variant.
Genome position (GRCh38, 1-based): chr6:158,191,996, T>C. VCF-style: chr6-158191996-T-C. GRCh37 (hg19) VCF-style: chr6-158613028-T-C.
Other names: short protein forms F19L.
Identifiers: ClinVar variation 2081236 (VCV002081236.3), dbSNP rs1166404811, ClinGen allele CA366253237.

ClinVar aggregate classification (germline): Uncertain significance (1 of 4 stars; one submission).

Submission:

Labcorp Genetics (formerly Invitae), Labcorp
Classification: Uncertain significance. Last evaluated: 2023-07-07. Review status: criteria provided, single submitter. Criteria: Invitae Variant Classification Sherloc (09022015). Collection method: clinical testing. Allele origin: germline.
Comment: This variant is not present in population databases (gnomAD no frequency). In summary, the available evidence is currently insufficient to determine the role of this variant in disease. Therefore, it has been classified as a Variant of Uncertain Significance. An algorithm developed to predict the effect of missense changes on protein structure and function (PolyPhen-2) suggests that this variant¬†is likely to be tolerated. ClinVar contains an entry for this variant (Variation ID: 2081236). This variant has not been reported in the literature in individuals affected with GTF2H5-related conditions. This sequence change replaces phenylalanine, which is neutral and non-polar, with leucine, which is neutral and non-polar, at codon 19 of the GTF2H5 protein (p.Phe19Leu).